The following is an entry in ClinVar:

ClinVar aggregate classification (germline): Uncertain significance. Review status: criteria provided, multiple submitters, no conflicts (2 of 4 stars). 3 submissions from 3 submitters: Uncertain significance (3). Last evaluated 2025-11-21.

Conditions:
Peutz-Jeghers syndrome (PJS). Also called: POLYPOSIS, HAMARTOMATOUS INTESTINAL; POLYPS-AND-SPOTS SYNDROME; Peutz-Jeghers polyposis; Periorificial lentiginosis syndrome. Identifiers: Orphanet 2869, MedGen C0031269, MeSH D010580, MONDO:0008280, OMIM 175200.
Hereditary cancer-predisposing syndrome. Also called: Hereditary Cancer Syndrome; Hereditary neoplastic syndrome; Tumor predisposition; Neoplastic Syndromes, Hereditary. Identifiers: Orphanet 140162, MedGen C0027672, MeSH D009386, MONDO:0015356.
Melanoma, cutaneous malignant, susceptibility to, 1 (CMM1). Also called: B-K MOLE SYNDROME; MELANOMA, MALIGNANT; DYSPLASTIC NEVUS SYNDROME, HEREDITARY; FAMILIAL ATYPICAL MOLE-MALIGNANT MELANOMA SYNDROME. Identifiers: Orphanet 618, MedGen C1835047, MONDO:0007963, OMIM 155600.

Allele frequency attached by ClinVar (database versions not stated): gnomAD below 0.00001 and 0.00001; gnomAD exomes below 0.00001.
gnomAD v4.1: 1 of 1,613,526 alleles (0.000062%); highest among the groups gnomAD compares: South Asian, 0.0011%; no homozygotes.

Submissions (3):

Ambry Genetics
Classification: Uncertain significance for Hereditary cancer-predisposing syndrome. Last evaluated: 2025-11-21. Review status: criteria provided, single submitter. Criteria: Ambry Variant Classification Scheme 2023. Collection method: clinical testing. Allele origin: germline.
Comment: The p.L117S variant (also known as c.350T>C), located in coding exon 2 of the STK11 gene, results from a T to C substitution at nucleotide position 350. The leucine at codon 117 is replaced by serine, an amino acid with dissimilar properties. This amino acid position is conserved. In addition, this alteration is predicted to be deleterious by in silico analysis. Based on the available evidence, the clinical significance of this variant remains unclear.

Baylor Genetics
Classification: Uncertain significance for Melanoma, cutaneous malignant, susceptibility to, 1. Last evaluated: 2024-03-19. Review status: criteria provided, single submitter. Criteria: ACMG Guidelines, 2015. Collection method: clinical testing. Allele origin: unknown.

Labcorp Genetics (formerly Invitae), Labcorp
Classification: Uncertain significance for Peutz-Jeghers syndrome. Last evaluated: 2023-08-16. Review status: criteria provided, single submitter. Criteria: Invitae Variant Classification Sherloc (09022015). Collection method: clinical testing. Allele origin: germline.
Comment: This variant is present in population databases (no rsID available, gnomAD 0.003%). This sequence change replaces leucine, which is neutral and non-polar, with serine, which is neutral and polar, at codon 117 of the STK11 protein (p.Leu117Ser). This variant has not been reported in the literature in individuals affected with STK11-related conditions. In summary, the available evidence is currently insufficient to determine the role of this variant in disease. Therefore, it has been classified as a Variant of Uncertain Significance. Advanced modeling of protein sequence and biophysical properties (such as structural, functional, and spatial information, amino acid conservation, physicochemical variation, residue mobility, and thermodynamic stability) has been performed at Invitae for this missense variant, however the output from this modeling did not meet the statistical confidence thresholds required to predict the impact of this variant on STK11 protein function. ClinVar contains an entry for this variant (Variation ID: 458039).

NM_000455.5(STK11):c.350T>C (p.Leu117Ser)

Gene: STK11 (serine/threonine kinase 11; plus strand). Cytogenetic location: 19p13.3.
Variant type: single nucleotide variant.
Coding change: c.350T>C on transcript NM_000455.5 (MANE Select); coding-DNA position 350, T replaced by C.
Protein change: p.Leu117Ser; replaces leucine 117 with serine.
Molecular consequence: missense variant.
Genome position (GRCh38, 1-based): chr19:1,218,476, T>C. VCF-style: chr19-1218476-T-C. GRCh37 (hg19) VCF-style: chr19-1218475-T-C.
Other names: short protein forms L117S.
Identifiers: ClinVar variation 458039 (VCV000458039.14), dbSNP rs1296728798, ClinGen allele CA402947818.